The following is an entry in ClinVar:

ClinVar aggregate classification (germline): Likely pathogenic (1 of 4 stars; one submission).

Conditions:
Developmental and epileptic encephalopathy 94 (DEE94). Also called: CHD2-Related Neurodevelopmental Disorders; Epileptic encephalopathy, childhood-onset. Identifiers: Orphanet 1942, Orphanet 2382, MedGen C3809278, MONDO:0014150, OMIM 615369.

Submission:

New York Genome Center
Classification: Likely pathogenic for Developmental and epileptic encephalopathy 94. Last evaluated: 2021-09-10. Review status: criteria provided, single submitter. Criteria: NYGC Assertion Criteria 2020. Collection method: clinical testing. Allele origin: de novo. Affected: yes. Observed: 1 heterozygote. Study: CSER-NYCKidSeq.
Comment: The de novo c.2514_2524del (Asp838GlufsTer18) variant identified in the CHD2 gene is the deletion of 11 nucleotides, resulting in a frameshift at amino acid 838/1829 (exon 20/39). This variant is absent from gnomAD(v3.1.1) suggesting it is not a common benign variant in the populations represented in that database. This variant is absent from ClinVar and to our current knowledge has not been reported in affected individuals in the literature, however nonsense and frameshift variants downstream of the one identified here have been reported in affected individauls [PMID:31677157]. Given its presence de novo in the affected individual, its deleterious nature, and absence in population databases, the c.2514_2524del (Asp838GlufsTer18) variant identified in the CHD2 gene is reported as Likely Pathogenic.

NM_001271.4(CHD2):c.2514_2524del (p.Asp838fs)

Gene: CHD2 (chromodomain helicase DNA binding protein 2; plus strand). Cytogenetic location: 15q26.1.
Variant type: Deletion.
Coding change: c.2514_2524del on transcript NM_001271.4 (MANE Select); coding-DNA positions 2514 to 2524, 11 bases deleted (TGGTTCCATCA).
Protein change: p.Asp838fs; shifts the reading frame from aspartic acid 838.
Molecular consequence: frameshift variant.
Genome position (GRCh38, 1-based): chr15:92,974,887-92,974,897, TGGTTCCATCA deleted; deleting any 11 consecutive bases within chr15:92,974,886-92,974,897 gives the same sequence; the c. name uses the placement nearest the transcript's 3' end. VCF-style (leftmost placement, unchanged base first): chr15-92974885-GATGGTTCCATC-G. GRCh37 (hg19) VCF-style: chr15-93518115-GATGGTTCCATC-G.
Other names: short protein forms D838fs.
Identifiers: ClinVar variation 1701782 (VCV001701782.1), dbSNP rs2141839134, ClinGen allele CA2580090361.